The following is an entry in ClinVar:

ClinVar aggregate classification (germline): Uncertain significance. Review status: criteria provided, multiple submitters, no conflicts (2 of 4 stars). 2 submissions from 2 submitters: Uncertain significance (2). Last evaluated 2025-03-03.

Conditions:
Hereditary cancer-predisposing syndrome. Also called: Hereditary Cancer Syndrome; Hereditary neoplastic syndrome; Neoplastic Syndromes, Hereditary; Tumor predisposition. Identifiers: Orphanet 140162, MedGen C0027672, MeSH D009386, MONDO:0015356.

Submissions (2):

Ambry Genetics
Classification: Uncertain significance for Hereditary cancer-predisposing syndrome. Last evaluated: 2025-03-03. Review status: criteria provided, single submitter. Criteria: Ambry Variant Classification Scheme 2023. Collection method: clinical testing. Allele origin: germline.
Comment: The p.G370V variant (also known as c.1109G>T) is located in coding exon 9 of the STK11 gene. The glycine at codon 370 is replaced by valine, an amino acid with dissimilar properties. This change occurs in the first base pair of coding exon 9. This amino acid position is highly conserved in available vertebrate species. In addition, the in silico prediction for this alteration is inconclusive. Based on the available evidence, the clinical significance of this variant remains unclear.

Sema4
Classification: Uncertain significance for Hereditary cancer-predisposing syndrome. Last evaluated: 2021-05-11. Review status: criteria provided, single submitter. Criteria: Sema4 Curation Guidelines. Collection method: curation. Allele origin: germline.
Comment: The STK11 c.1109G>T (p.G370V) variant has not been reported in individuals with STK11-related disease to our knowledge. It was not observed in the large and broad cohorts of the Genome Aggregation Database (PMID: 32461654). The variant has not been reported in ClinVar. In silico tools suggest the impact of the variant on protein function is inconclusive, though these predictions have not been confirmed by functional studies. The evidence is insufficient to meet ACMG/AMP criteria for classifying the variant as benign or pathogenic. Thus, the clinical significance of this variant is currently uncertain.

NM_000455.5(STK11):c.1109G>T (p.Gly370Val)

Gene: STK11 (serine/threonine kinase 11; plus strand). Cytogenetic location: 19p13.3.
Variant type: single nucleotide variant.
Coding change: c.1109G>T on transcript NM_000455.5 (MANE Select); coding-DNA position 1109, G replaced by T.
Protein change: p.Gly370Val; replaces glycine 370 with valine.
Molecular consequence: missense variant.
Genome position (GRCh38, 1-based): chr19:1,226,454, G>T. VCF-style: chr19-1226454-G-T. GRCh37 (hg19) VCF-style: chr19-1226453-G-T.
Other names: short protein forms G370V.
Identifiers: ClinVar variation 1692437 (VCV001692437.2), dbSNP rs1568716651, ClinGen allele CA402953099.
Genomic context (GRCh38, chr19:1,226,454, plus strand): 5'-TCCCTGTGGCTCTGGGGTTGCGCCCCTCAGCTCAGGCCACACTTGCCGTCTCCCTCCCAG[G>T]ACAGGTCCCAGAAGAGGAGGCCAGTCACAATGGACAGCGCCGGGGCCTCCCCAAGGCCGT-3'
Protein context (NP_000446.1, residues 360-380): IIYTQDFTVP[Gly370Val]QVPEEEASHN